The following is an entry in ClinVar:

NM_144997.7(FLCN):c.250-15C>T

Gene: FLCN (folliculin; minus strand). Cytogenetic location: 17p11.2.
Variant type: single nucleotide variant.
Coding change: c.250-15C>T on transcript NM_144997.7 (MANE Select); 15 bases into the intron before coding-DNA position 250, C replaced by T.
Molecular consequence: intron variant.
Genome position (GRCh38, 1-based): chr17:17,226,337, G>A on the plus strand (C>T on the coding strand, the complement: FLCN is on the minus strand). VCF-style: chr17-17226337-G-A. GRCh37 (hg19) VCF-style: chr17-17129651-G-A.
Other names: c.250-15C>T (NM_001353231.2, NM_001353230.2, NM_001353229.2 and 1 more transcripts).
Identifiers: ClinVar variation 1915549 (VCV001915549.6), dbSNP rs2544284856, ClinGen allele CA2576185658.

ClinVar aggregate classification (germline): Likely benign. Review status: criteria provided, multiple submitters, no conflicts (2 of 4 stars). 2 submissions from 2 submitters: Likely benign (2). Last evaluated 2024-10-22.

Conditions:
Birt-Hogg-Dube syndrome 1 (BHD1). Also called: FIBROFOLLICULOMAS WITH TRICHODISCOMAS AND ACROCHORDONS. Identifiers: Orphanet 122, MedGen CN375946, MONDO:0800445, OMIM 135150.
Birt-Hogg-Dube syndrome. Also called: Birt Hogg Dubé syndrome. Identifiers: Orphanet 122, MedGen C0346010, MONDO:0800444.

gnomAD v4.1: 1 of 1,614,150 alleles (0.000062%); no homozygotes.

Submissions (2):

Myriad Genetics, Inc.
Classification: Likely benign for Birt-Hogg-Dube syndrome 1. Last evaluated: 2024-10-22. Review status: criteria provided, single submitter. Criteria: Myriad Autosomal Dominant, Autosomal Recessive and X-Linked Classification Criteria (2023). Collection method: clinical testing. Allele origin: unknown.
Comment: This variant is considered likely benign. This variant is intronic and is not expected to impact mRNA splicing.

Labcorp Genetics (formerly Invitae), Labcorp
Classification: Likely benign for Birt-Hogg-Dube syndrome. Last evaluated: 2024-01-03. Review status: criteria provided, single submitter. Criteria: Invitae Variant Classification Sherloc (09022015). Collection method: clinical testing. Allele origin: germline.